The following is an entry in ClinVar:

ClinVar aggregate classification (germline): Uncertain significance. Review status: criteria provided, multiple submitters, no conflicts (2 of 4 stars). 2 submissions from 2 submitters: Uncertain significance (2). Last evaluated 2022-09-07.

Conditions:
Severe myoclonic epilepsy in infancy (DRVT). Also called: SEVERE MYOCLONIC EPILEPSY OF INFANCY; DEVELOPMENTAL AND EPILEPTIC ENCEPHALOPATHY 6A; Severe Myoclonic Epilepsy in Infancy (SMEI); Dravet syndrome; Epileptic encephalopathy, early infantile, 6 (Dravet syndrome). Identifiers: Orphanet 33069, MedGen C0751122, MONDO:0100135, OMIM 607208.
Inborn genetic diseases. Identifiers: MedGen C0950123, MeSH D030342.

Allele frequency attached by ClinVar (database versions not stated): TOPMed 0.00012; ESP Exome Variant Server 0.00015; gnomAD 0.00019 and 0.00020.
gnomAD v4.1: 246 of 1,614,072 alleles (0.015%); highest among the groups gnomAD compares: Non-Finnish European, 0.02%; no homozygotes.

Submissions (2):

Labcorp Genetics (formerly Invitae), Labcorp
Classification: Uncertain significance for Severe myoclonic epilepsy in infancy. Last evaluated: 2022-09-07. Review status: criteria provided, single submitter. Criteria: Invitae Variant Classification Sherloc (09022015). Collection method: clinical testing. Allele origin: germline.
Comment: This sequence change replaces arginine, which is basic and polar, with leucine, which is neutral and non-polar, at codon 476 of the SNX27 protein (p.Arg476Leu). This variant is present in population databases (rs200106732, gnomAD 0.03%). This variant has not been reported in the literature in individuals affected with SNX27-related conditions. ClinVar contains an entry for this variant (Variation ID: 531720). Algorithms developed to predict the effect of missense changes on protein structure and function are either unavailable or do not agree on the potential impact of this missense change (SIFT: "Deleterious"; PolyPhen-2: "Probably Damaging"; Align-GVGD: "Class C0"). In summary, the available evidence is currently insufficient to determine the role of this variant in disease. Therefore, it has been classified as a Variant of Uncertain Significance.

Ambry Genetics
Classification: Uncertain significance for Inborn genetic diseases. Last evaluated: 2021-08-10. Review status: criteria provided, single submitter. Criteria: Ambry Variant Classification Scheme 2023. Collection method: clinical testing. Allele origin: germline.

NM_001330723.2(SNX27):c.1427G>T (p.Arg476Leu)

Gene: SNX27 (sorting nexin 27; plus strand). Cytogenetic location: 1q21.3.
Variant type: single nucleotide variant.
Coding change: c.1427G>T on transcript NM_001330723.2 (MANE Select); coding-DNA position 1427, G replaced by T.
Protein change: p.Arg476Leu; replaces arginine 476 with leucine.
Molecular consequence: missense variant.
Genome position (GRCh38, 1-based): chr1:151,692,948, G>T. VCF-style: chr1-151692948-G-T. GRCh37 (hg19) VCF-style: chr1-151665424-G-T.
Other names: c.1427G>T, p.Arg476Leu (NM_030918.6); short protein forms R476L.
Identifiers: ClinVar variation 531720 (VCV000531720.7), dbSNP rs200106732, ClinGen allele CA1093672.